The following is an entry in ClinVar:

NM_001365951.3(KIF1B):c.3608A>G (p.His1203Arg)

Gene: KIF1B (kinesin family member 1B; plus strand). Cytogenetic location: 1p36.22.
Variant type: single nucleotide variant.
Coding change: c.3608A>G on transcript NM_001365951.3 (MANE Select); coding-DNA position 3608, A replaced by G.
Protein change: p.His1203Arg; replaces histidine 1203 with arginine.
Molecular consequence: missense variant.
Genome position (GRCh38, 1-based): chr1:10,342,144, A>G. VCF-style: chr1-10342144-A-G. GRCh37 (hg19) VCF-style: chr1-10402202-A-G.
Other names: c.3608A>G, p.His1203Arg (NM_001365952.1); c.3470A>G, p.His1157Arg (NM_015074.3); short protein forms H1157R, H1203R.
Identifiers: ClinVar variation 3864124 (VCV003864124.1).

ClinVar aggregate classification (germline): Uncertain significance (1 of 4 stars; one submission).

Submission:

Ambry Genetics
Classification: Uncertain significance. Last evaluated: 2025-03-10. Review status: criteria provided, single submitter. Criteria: Ambry Variant Classification Scheme 2023. Collection method: clinical testing. Allele origin: germline.
Comment: The p.H1157R variant (also known as c.3470A>G), located in coding exon 30 of the KIF1B gene, results from an A to G substitution at nucleotide position 3470. The histidine at codon 1157 is replaced by arginine, an amino acid with highly similar properties. This amino acid position is conserved. In addition, the in silico prediction for this alteration is inconclusive. Based on the available evidence, the clinical significance of this variant remains unclear.